The following is an entry in ClinVar:

NM_006887.5(ZFP36L2):c.835C>T (p.Leu279=)

Gene: ZFP36L2 (ZFP36 ring finger protein like 2; minus strand). Cytogenetic location: 2p21.
Variant type: single nucleotide variant.
Coding change: c.835C>T on transcript NM_006887.5 (MANE Select); coding-DNA position 835, C replaced by T.
Protein change: p.Leu279=; no amino-acid change (leucine 279 retained).
Molecular consequence: synonymous variant.
Genome position (GRCh38, 1-based): chr2:43,224,969, G>A on the plus strand (C>T on the coding strand, the complement: ZFP36L2 is on the minus strand). VCF-style: chr2-43224969-G-A. GRCh37 (hg19) VCF-style: chr2-43452108-G-A.
Identifiers: ClinVar variation 3048852 (VCV003048852.2), dbSNP rs368436754, ClinGen allele CA1631459.

ClinVar aggregate classification (germline): Likely benign (0 of 4 stars; one submission).

Conditions:
ZFP36L2-related disorder. Also called: ZFP36L2-related condition.

Allele frequency attached by ClinVar (database versions not stated): gnomAD exomes 0.00016; ExAC 0.00059; 1000 Genomes Project 30x 0.00109; 1000 Genomes Project 0.00120; gnomAD 0.00196; ESP Exome Variant Server 0.00211; TOPMed 0.00222.

Submission:

PreventionGenetics, part of Exact Sciences
Classification: Likely benign for ZFP36L2-related condition. Last evaluated: 2019-03-22. Review status: no assertion criteria provided. Collection method: clinical testing. Allele origin: germline.
Comment: This variant is classified as likely benign based on ACMG/AMP sequence variant interpretation guidelines (Richards et al. 2015 PMID: 25741868, with internal and published modifications).